The following is an entry in ClinVar:

ClinVar aggregate classification (germline): Uncertain significance. Review status: criteria provided, multiple submitters, no conflicts (2 of 4 stars). 4 submissions from 4 submitters: Uncertain significance (4). Last evaluated 2025-03-14.

Conditions:
Hereditary cancer-predisposing syndrome. Also called: Neoplastic Syndromes, Hereditary; Tumor predisposition; Hereditary neoplastic syndrome; Hereditary Cancer Syndrome. Identifiers: Orphanet 140162, MedGen C0027672, MeSH D009386, MONDO:0015356.
POLD1-related polyposis and colorectal cancer syndrome (CRCS10). Also called: COLORECTAL CANCER, SUSCEPTIBILITY TO, ON CHROMOSOME 19q; Colorectal cancer 10; Colorectal cancer, susceptibility to, 10. Identifiers: Orphanet 220460, MedGen C2675481, MONDO:0012953, OMIM 612591.

Submissions (4):

Quest Diagnostics Nichols Institute San Juan Capistrano
Classification: Uncertain significance. Last evaluated: 2025-03-14. Review status: criteria provided, single submitter. Criteria: Quest Diagnostics criteria. Collection method: clinical testing. Allele origin: unknown.
Comment: The POLD1 c.2872C>G (p.Leu958Val) variant has not been reported in individuals with POLD1-related conditions in the published literature. It also has not been reported in large, multi-ethnic general populations (Genome Aggregation Database). Analysis of this variant using bioinformatics tools for the prediction of the effect of amino acid changes on protein structure and function yielded predictions that this variant is damaging. Based on the available information, we are unable to determine the clinical significance of this variant.

Ambry Genetics
Classification: Uncertain significance for Hereditary cancer-predisposing syndrome. Last evaluated: 2024-12-08. Review status: criteria provided, single submitter. Criteria: Ambry Variant Classification Scheme 2023. Collection method: clinical testing. Allele origin: germline.
Comment: The p.L958V variant (also known as c.2872C>G), located in coding exon 22 of the POLD1 gene, results from a C to G substitution at nucleotide position 2872. The leucine at codon 958 is replaced by valine, an amino acid with highly similar properties. This amino acid position is conserved. In addition, this alteration is predicted to be tolerated by in silico analysis. Based on the available evidence, the clinical significance of this variant remains unclear.

Labcorp Genetics (formerly Invitae), Labcorp
Classification: Uncertain significance for POLD1-related polyposis and colorectal cancer syndrome. Last evaluated: 2024-10-01. Review status: criteria provided, single submitter. Criteria: Invitae Variant Classification Sherloc (09022015). Collection method: clinical testing. Allele origin: germline.
Comment: This sequence change replaces leucine, which is neutral and non-polar, with valine, which is neutral and non-polar, at codon 958 of the POLD1 protein (p.Leu958Val). This variant is not present in population databases (gnomAD no frequency). This variant has not been reported in the literature in individuals affected with POLD1-related conditions. ClinVar contains an entry for this variant (Variation ID: 1723333). Invitae Evidence Modeling of protein sequence and biophysical properties (such as structural, functional, and spatial information, amino acid conservation, physicochemical variation, residue mobility, and thermodynamic stability) indicates that this missense variant is not expected to disrupt POLD1 protein function with a negative predictive value of 80%. In summary, the available evidence is currently insufficient to determine the role of this variant in disease. Therefore, it has been classified as a Variant of Uncertain Significance.

Women's Health and Genetics/Laboratory Corporation of America, LabCorp
Classification: Uncertain significance. Last evaluated: 2022-10-18. Review status: criteria provided, single submitter. Criteria: LabCorp Variant Classification Summary - May 2015. Collection method: clinical testing. Allele origin: germline.
Comment: Variant summary: POLD1 c.2872C>G (p.Leu958Val) results in a conservative amino acid change located in the DNA-directed DNA polymerase, family B, multifunctional domain (IPR006134) of the encoded protein sequence. Three of five in-silico tools predict a damaging effect of the variant on protein function. The variant was absent in 155132 control chromosomes. The available data on variant occurrences in the general population are insufficient to allow any conclusion about variant significance. To our knowledge, no occurrence of c.2872C>G in individuals affected with Colorectal Cancer and no experimental evidence demonstrating its impact on protein function have been reported. A co-occurrence with a pathogenic variant has been reported (PMS2 c.2117delA, p.Lys706SerfsX19; Internal testing). No clinical diagnostic laboratories have submitted clinical-significance assessments for this variant to ClinVar after 2014. Based on the evidence outlined above, the variant was classified as uncertain significance.

NM_002691.4(POLD1):c.2872C>G (p.Leu958Val)

Gene: POLD1 (DNA polymerase delta 1, catalytic subunit; plus strand). Cytogenetic location: 19q13.33.
Variant type: single nucleotide variant.
Coding change: c.2872C>G on transcript NM_002691.4 (MANE Select); coding-DNA position 2872, C replaced by G.
Protein change: p.Leu958Val; replaces leucine 958 with valine.
Molecular consequence: missense variant. On other transcripts: non-coding transcript variant (1).
Genome position (GRCh38, 1-based): chr19:50,416,447, C>G. VCF-style: chr19-50416447-C-G. GRCh37 (hg19) VCF-style: chr19-50919704-C-G.
Other names: c.2872C>G, p.Leu958Val (NM_001256849.1); c.2950C>G, p.Leu984Val (NM_001308632.1); c.2872C>G (NM_002691.2); short protein forms L958V, L984V.
Identifiers: ClinVar variation 1723333 (VCV001723333.8), dbSNP rs2122490832, ClinGen allele CA406986419.